The following is an entry in ClinVar:

ClinVar aggregate classification (germline): Uncertain significance (1 of 4 stars; one submission).

Allele frequency attached by ClinVar (database versions not stated): gnomAD exomes 0.00001.

Submission:

Labcorp Genetics (formerly Invitae), Labcorp
Classification: Uncertain significance. Last evaluated: 2024-11-18. Review status: criteria provided, single submitter. Criteria: Invitae Variant Classification Sherloc (09022015). Collection method: clinical testing. Allele origin: germline.
Comment: This sequence change replaces isoleucine, which is neutral and non-polar, with serine, which is neutral and polar, at codon 182 of the MCM3AP protein (p.Ile182Ser). This variant is not present in population databases (gnomAD no frequency). This variant has not been reported in the literature in individuals affected with MCM3AP-related conditions. ClinVar contains an entry for this variant (Variation ID: 2421532). An algorithm developed to predict the effect of missense changes on protein structure and function (PolyPhen-2) suggests that this variant is likely to be tolerated. In summary, the available evidence is currently insufficient to determine the role of this variant in disease. Therefore, it has been classified as a Variant of Uncertain Significance.

NM_003906.5(MCM3AP):c.545T>G (p.Ile182Ser)

Gene: MCM3AP (minichromosome maintenance complex component 3 associated protein; minus strand). Cytogenetic location: 21q22.3.
Variant type: single nucleotide variant.
Coding change: c.545T>G on transcript NM_003906.5 (MANE Select); coding-DNA position 545, T replaced by G.
Protein change: p.Ile182Ser; replaces isoleucine 182 with serine.
Molecular consequence: missense variant.
Genome position (GRCh38, 1-based): chr21:46,284,742, A>C on the plus strand (T>G on the coding strand, the complement: MCM3AP is on the minus strand). VCF-style: chr21-46284742-A-C. GRCh37 (hg19) VCF-style: chr21-47704656-A-C.
Other names: short protein forms I182S.
Identifiers: ClinVar variation 2421532 (VCV002421532.6), dbSNP rs999771951, ClinGen allele CA321980452.
Genomic context (GRCh38, chr21:46,284,742, plus strand): 5'-GCTGAACTACTTGTTACTTGAGGAAAAGAGAAAGGGGCCAGGCCTCCAGGTGCACTACTA[A>C]TTGGGTGGGAAAATGTAAAAAACCCAGAAGCAATTTGGCTCTGGGTTTTCTCTGGCTCAG-3'
Protein context (NP_003897.2, residues 172-192): ASGFFTFSHP[Ile182Ser]SSAPGGLAPF